The following is an entry in ClinVar:

NM_000051.4(ATM):c.6486C>A (p.Ser2162Arg)

Genes: ATM (ATM serine/threonine kinase; plus strand), C11orf65 (chromosome 11 open reading frame 65; minus strand). Cytogenetic location: 11q22.3.
Variant type: single nucleotide variant.
Coding change: c.6486C>A on transcript NM_000051.4 (MANE Select); coding-DNA position 6486, C replaced by A.
Protein change: p.Ser2162Arg; replaces serine 2162 with arginine.
Molecular consequence: missense variant. On other transcripts: intron variant (2).
Genome position (GRCh38, 1-based): chr11:108,321,334, C>A. VCF-style: chr11-108321334-C-A. GRCh37 (hg19) VCF-style: chr11-108192061-C-A.
Other names: c.6486C>A, p.Ser2162Arg (NM_001351834.2); c.641-12263G>T (NM_001330368.2); c.*39-12263G>T (NM_001351110.2); short protein forms S2162R.
Identifiers: ClinVar variation 642275 (VCV000642275.9), dbSNP rs138166710, ClinGen allele CA382553992.

ClinVar aggregate classification (germline): Uncertain significance (1 of 4 stars; one submission).

Conditions:
Ataxia-telangiectasia syndrome (AT). Also called: Ataxia-telangiectasia, complementation group D; AT, COMPLEMENTATION GROUP C; ATAXIA-TELANGIECTASIA, COMPLEMENTATION GROUP A; ATAXIA-TELANGIECTASIA, FRESNO VARIANT; Ataxia-telangiectasia; LOUIS-BAR SYNDROME. Identifiers: Orphanet 100, MedGen C0004135, MONDO:0008840, OMIM 208900.

Submission:

Labcorp Genetics (formerly Invitae), Labcorp
Classification: Uncertain significance for Ataxia-telangiectasia syndrome. Last evaluated: 2018-10-18. Review status: criteria provided, single submitter. Criteria: Invitae Variant Classification Sherloc (09022015). Collection method: clinical testing. Allele origin: germline.
Comment: In summary, the available evidence is currently insufficient to determine the role of this variant in disease. Therefore, it has been classified as a Variant of Uncertain Significance. Algorithms developed to predict the effect of missense changes on protein structure and function (SIFT, PolyPhen-2, Align-GVGD) all suggest that this variant is likely to be disruptive, but these predictions have not been confirmed by published functional studies and their clinical significance is uncertain. This variant has not been reported in the literature in individuals with ATM-related disease. This variant is not present in population databases (ExAC no frequency). This sequence change replaces serine with arginine at codon 2162 of the ATM protein (p.Ser2162Arg). The serine residue is highly conserved and there is a moderate physicochemical difference between serine and arginine.